The following is an entry in ClinVar:

NM_001164508.2(NEB):c.17430+6T>A

Gene: NEB (nebulin; minus strand). Cytogenetic location: 2q23.3.
Variant type: single nucleotide variant.
Coding change: c.17430+6T>A on transcript NM_001164508.2 (MANE Select); 6 bases into the intron after coding-DNA position 17430, T replaced by A.
Molecular consequence: intron variant.
Genome position (GRCh38, 1-based): chr2:151,570,075, A>T on the plus strand (T>A on the coding strand, the complement: NEB is on the minus strand). VCF-style: chr2-151570075-A-T. GRCh37 (hg19) VCF-style: chr2-152426589-A-T.
Other names: c.17430+6T>A (NM_001164507.2, NM_001271208.2); c.12327+6T>A (NM_004543.5).
Identifiers: ClinVar variation 1313211 (VCV001313211.2), dbSNP rs916991200, ClinGen allele CA57663235.

ClinVar aggregate classification (germline): Uncertain significance (1 of 4 stars; one submission).

Allele frequency attached by ClinVar (database versions not stated): gnomAD exomes below 0.00001; TOPMed below 0.00001.
gnomAD v4.1: 1 of 1,600,510 alleles (0.000062%); highest among the groups gnomAD compares: Admixed American, 0.0017%; no homozygotes.

Submission:

GeneDx
Classification: Uncertain significance. Last evaluated: 2020-02-10. Review status: criteria provided, single submitter. Criteria: GeneDx Variant Classification Process June 2021. Collection method: clinical testing. Allele origin: germline. Affected: yes.
Comment: Not observed in large population cohorts (Lek et al., 2016); In silico analysis supports a deleterious effect on splicing; Has not been previously published as pathogenic or benign to our knowledge